The following is an entry in ClinVar:

NM_001291303.3(FAT4):c.13582dup (p.Cys4528fs)

Gene: FAT4 (FAT atypical cadherin 4; plus strand). Cytogenetic location: 4q28.1.
Variant type: Duplication.
Coding change: c.13582dup on transcript NM_001291303.3 (MANE Select); coding-DNA position 13582, one base duplicated (T; older notation c.13582dupT).
Protein change: p.Cys4528fs; shifts the reading frame from cysteine 4528.
Molecular consequence: frameshift variant.
Genome position (GRCh38, 1-based): chr4:125,490,398, T duplicated. VCF-style (leftmost placement, unchanged base first): chr4-125490397-G-GT. GRCh37 (hg19) VCF-style: chr4-126411552-G-GT.
Other names: NM_024582.6:c.13576dup; c.13579dup, p.Cys4527fs (NM_001291285.3); c.13576dup, p.Cys4526fs (NM_024582.6); short protein forms C4526fs, C4527fs, C4528fs.
Identifiers: ClinVar variation 2500897 (VCV002500897.1), dbSNP rs2530083599, ClinGen allele CA2573335020.

ClinVar aggregate classification (germline): Uncertain significance (1 of 4 stars; one submission).

Conditions:
Van Maldergem syndrome 2 (VMLDS2). Identifiers: Orphanet 314679, MedGen C3809875, MONDO:0014242, OMIM 615546.

Submission:

Broad Center for Mendelian Genomics, Broad Institute of MIT and Harvard
Classification: Uncertain significance for Van Maldergem syndrome 2. Last evaluated: 2023-05-02. Review status: criteria provided, single submitter. Criteria: ACMG Guidelines, 2015. Collection method: curation. Allele origin: germline. Inheritance: Autosomal recessive inheritance.
Comment: The p.Gln4528ProfsTer25 variant in FAT4 has not been previously reported in individuals with Van Maldergem syndrome 2. This variant was absent from large population studies. This variant is predicted to cause a frameshift, which alters the protein‚Äôs amino acid sequence beginning at position 4528 and leads to a premature termination codon 25 amino acids downstream. This termination codon occurs within the last exon and is more likely to escape nonsense mediated decay (NMD) and result in a truncated protein. Loss of function of the FAT4 gene is an established disease mechanism in autosomal recessive Van Maldergem syndrome 2. In summary, while there is some suspicion for a pathogenic role, the clinical significance of the ‚Äã‚Äãp.Gln4528ProfsTer25 variant is uncertain. ACMG/AMP Criteria applied: PVS1_Moderate, PM2_Supporting, PM3_Supporting (Richards 2015).